The following is an entry in ClinVar:

ClinVar aggregate classification (germline): Uncertain significance (1 of 4 stars; one submission).

Conditions:
Inborn genetic diseases. Identifiers: MedGen C0950123, MeSH D030342.

Submission:

Ambry Genetics
Classification: Uncertain significance for Inborn genetic diseases. Last evaluated: 2017-04-19. Review status: criteria provided, single submitter. Criteria: Ambry Variant Classification Scheme 2023. Collection method: clinical testing. Allele origin: germline.
Comment: The c.2252-11_2252-4delATAACCCCinsTGTCTG intronic variant, located in intron 20 of the ATP13A2 gene, results from the deletion of 8 nucleotides and the insertion of 6 nucleotides at positions c.2252-11 to c.2252-4. These nucleotide positions are poorly conserved in available vertebrate species. Using the BDGP and ESEfinder splice site prediction tools, this alteration is not predicted to have any significant effect on this splice acceptor site; however, direct evidence is unavailable. Since supporting evidence is limited at this time, the clinical significance of this alteration remains unclear.

NM_022089.4(ATP13A2):c.2252-11_2252-4delinsTGTCTG

Gene: ATP13A2 (ATPase cation transporting 13A2; minus strand). Cytogenetic location: 1p36.13.
Variant type: Indel.
Coding change: c.2252-11_2252-4delinsTGTCTG on transcript NM_022089.4 (MANE Select); 11 bases into the intron before coding-DNA position 2252 through 4 bases into the intron before coding-DNA position 2252, ATAACCCC replaced by TGTCTG.
Molecular consequence: intron variant.
Genome position (GRCh38, 1-based): chr1:16,990,291-16,990,298, GGGGTTAT replaced by CAGACA on the plus strand (ATAACCCC replaced by TGTCTG on the coding strand, the reverse complement: ATP13A2 is on the minus strand). VCF-style: chr1-16990291-GGGGTTAT-CAGACA. GRCh37 (hg19) VCF-style: chr1-17316786-GGGGTTAT-CAGACA.
Other names: c.2237-11_2237-4delinsTGTCTG (NM_001141974.3, NM_001141973.3).
Identifiers: ClinVar variation 1788448 (VCV001788448.2), dbSNP rs2523133456, ClinGen allele CA2580060663.